The following is an entry in ClinVar:

NM_006420.3(ARFGEF2):c.116C>T (p.Ala39Val)

Gene: ARFGEF2 (ARF guanine nucleotide exchange factor 2; plus strand). Cytogenetic location: 20q13.13.
Variant type: single nucleotide variant.
Coding change: c.116C>T on transcript NM_006420.3 (MANE Select); coding-DNA position 116, C replaced by T.
Protein change: p.Ala39Val; replaces alanine 39 with valine.
Molecular consequence: missense variant.
Genome position (GRCh38, 1-based): chr20:48,922,005, C>T. VCF-style: chr20-48922005-C-T. GRCh37 (hg19) VCF-style: chr20-47538542-C-T.
Other names: c.116C>T, p.Ala39Val (NM_001410846.1); short protein forms A39V.
Identifiers: ClinVar variation 3361185 (VCV003361185.1).

ClinVar aggregate classification (germline): Uncertain significance (1 of 4 stars; one submission).

Submission:

GeneDx
Classification: Uncertain significance. Last evaluated: 2023-07-25. Review status: criteria provided, single submitter. Criteria: GeneDx Variant Classification Process June 2021. Collection method: clinical testing. Allele origin: germline. Affected: yes.
Comment: Not observed at significant frequency in large population cohorts (gnomAD); In silico analysis supports that this missense variant has a deleterious effect on protein structure/function; Has not been previously published as pathogenic or benign to our knowledge; In silico analysis suggests this variant may impact gene splicing. In the absence of RNA/functional studies, the actual effect of this sequence change is unknown.